The following is an entry in ClinVar:

ClinVar aggregate classification (germline): Uncertain significance (1 of 4 stars; one submission).

Allele frequency attached by ClinVar (database versions not stated): gnomAD exomes below 0.00001 and 0.00001; gnomAD 0.00001; ESP Exome Variant Server 0.00009.
gnomAD v4.1: 2 of 1,571,930 alleles (0.00013%); highest among the groups gnomAD compares: African/African-American, 0.0014%; no homozygotes.

Submission:

Labcorp Genetics (formerly Invitae), Labcorp
Classification: Uncertain significance. Last evaluated: 2021-02-04. Review status: criteria provided, single submitter. Criteria: Invitae Variant Classification Sherloc (09022015). Collection method: clinical testing. Allele origin: germline.
Comment: In summary, the available evidence is currently insufficient to determine the role of this variant in disease. Therefore, it has been classified as a Variant of Uncertain Significance. Algorithms developed to predict the effect of missense changes on protein structure and function are either unavailable or do not agree on the potential impact of this missense change (SIFT: "Deleterious"; PolyPhen-2: "Probably Damaging"; Align-GVGD: "Class C0"). This variant has not been reported in the literature in individuals with HES7-related conditions. This variant is not present in population databases (ExAC no frequency). This sequence change replaces leucine with arginine at codon 122 of the HES7 protein (p.Leu122Arg). The leucine residue is highly conserved and there is a moderate physicochemical difference between leucine and arginine.

NM_001165967.2(HES7):c.380T>G (p.Leu127Arg)

Gene: HES7 (hes family bHLH transcription factor 7; minus strand). Cytogenetic location: 17p13.1.
Variant type: single nucleotide variant.
Coding change: c.380T>G on transcript NM_001165967.2 (MANE Select); coding-DNA position 380, T replaced by G.
Protein change: p.Leu127Arg; replaces leucine 127 with arginine.
Molecular consequence: missense variant.
Genome position (GRCh38, 1-based): chr17:8,121,884, A>C on the plus strand (T>G on the coding strand, the complement: HES7 is on the minus strand). VCF-style: chr17-8121884-A-C. GRCh37 (hg19) VCF-style: chr17-8025202-A-C.
Other names: c.365T>G, p.Leu122Arg (NM_032580.4); short protein forms L122R, L127R.
Identifiers: ClinVar variation 1369939 (VCV001369939.8), dbSNP rs376794942, ClinGen allele CA287537298.